The following is an entry in ClinVar:

NM_001127392.3(MYRF):c.2036T>C (p.Val679Ala)

Gene: MYRF (myelin regulatory factor; plus strand). Cytogenetic location: 11q12.2.
Variant type: single nucleotide variant.
Coding change: c.2036T>C on transcript NM_001127392.3 (MANE Select); coding-DNA position 2036, T replaced by C.
Protein change: p.Val679Ala; replaces valine 679 with alanine.
Molecular consequence: missense variant.
Genome position (GRCh38, 1-based): chr11:61,779,285, T>C. VCF-style: chr11-61779285-T-C. GRCh37 (hg19) VCF-style: chr11-61546757-T-C.
Other names: c.2009T>C, p.Val670Ala (NM_013279.4); short protein forms V670A, V679A.
Identifiers: ClinVar variation 996604 (VCV000996604.3), dbSNP rs2066476390, ClinGen allele CA380858293.
Genomic context (GRCh38, chr11:61,779,285, plus strand): 5'-GTGTTGGCCCATGGCCCATGGCCCATGGCCCATGGCAGGAGCGCATCTTCATGGAGAACG[T>C]AGGGGCCGTGAAGGAGCTGTGCAAGCTGACAGACAACCTGGAGACGCGCATTGATGAGCT-3'
Protein context (NP_001120864.1, residues 669-689): VNKERIFMEN[Val679Ala]GAVKELCKLT

ClinVar aggregate classification (germline): Conflicting classifications of pathogenicity. Review status: criteria provided, conflicting classifications (1 of 4 stars). 3 submissions from 3 submitters: Likely pathogenic (1); Uncertain significance (1). 1 of the submissions does not count toward it. Last evaluated 2023-09-20.

Conditions:
Encephalitis/encephalopathy, mild, with reversible myelin vacuolization. Also called: ENCEPHALITIS/ENCEPHALOPATHY, MILD, WITH REVERSIBLE SPLENIAL LESION. Identifiers: MedGen C4722446, MONDO:0020853, OMIM 618113.
Nanophthalmos 1 (TMEM98). Also called: NNO1; MICROPHTHALMOS, SIMPLE, AUTOSOMAL DOMINANT; NANOPHTHALMIA 1; NANOPHTHALMOS WITH HIGH HYPEROPIA AND ANGLE-CLOSURE GLAUCOMA; NANOPHTHALMOS, AUTOSOMAL DOMINANT. Identifiers: Orphanet 35612, MedGen C1838502, MONDO:0010836, OMIM 600165.
Cardiac-urogenital syndrome (CUGS). Also called: MYRF-Related Cardiac Urogenital Syndrome. Identifiers: Orphanet 647811, MedGen C4748946, MONDO:0032653, OMIM 618280.
MYRF-related disorder. Also called: MYRF-related disorders; MYRF-related condition.
Abnormal heart morphology. Also called: Heart, malformation of; Abnormality of cardiac morphology. Identifiers: MedGen C0018798, MeSH D006330, HP:0001627.
Urogenital tract malformation. Also called: Abnormality of the genitourinary system. Identifiers: Orphanet 83001, MedGen C0042063, MONDO:0019356, HP:0000119.
Congenital diaphragmatic hernia. Also called: DIH; Congenital diaphragmatic defect; Unilateral agenesis of diaphragm; Agenesis of hemidiaphragm. Identifiers: Orphanet 2140, MedGen C0235833, MeSH D065630, MONDO:0005711, HP:0000776.

Submissions (3):

PreventionGenetics, part of Exact Sciences
Classification: Likely pathogenic for MYRF-related condition. Last evaluated: 2023-09-20. Review status: criteria provided, single submitter. Criteria: ACMG Guidelines, 2015. Collection method: clinical testing. Allele origin: germline.
Comment: The MYRF c.2036T>C variant is predicted to result in the amino acid substitution p.Val679Ala. This variant was reported as de novo in at least one individual with diaphragmatic hernia and cardiovascular defects (Qi et al. 2018. PubMed ID: 30532227; Table S3, Qiao et al. 2020. PubMed ID: 32719394). A functional study indicated that this variant may cause disease via haploinsufficiency (An et al. 2020. PubMed ID: 31964908). This variant has not been reported in a large population database, indicating this variant is rare. This variant is interpreted as likely pathogenic.

Juno Genomics, Hangzhou Juno Genomics, Inc
Classification: Uncertain significance for Nanophthalmos 1; Cardiac-urogenital syndrome; Encephalitis/encephalopathy, mild, with reversible myelin vacuolization. Review status: criteria provided, single submitter. Criteria: ACMG Guidelines, 2015. Collection method: clinical testing. Allele origin: germline. Affected: yes.
Comment: Absent from controls (or at extremely low frequency if recessive) in Genome Aggregation Database, Exome Sequencing Project, 1000 Genomes Project, or Exome Aggregation Consortium.;Missense variant in a gene that has a low rate of benign missense variation and where missense variants are a common mechanism of disease.;Well-established in vitro or in vivo functional studies supportive of a damaging effect on the gene or gene product.;The prevalence of the variant in affected individuals is significantly increased compared to the prevalence in controls.;Assumed de novo, but without confirmation of paternity and maternity.

University of Washington Center for Mendelian Genomics, University of Washington
Classification: Likely pathogenic for Congenital diaphragmatic hernia; Abnormal heart morphology; Urogenital tract malformation. Review status: no assertion criteria provided. Collection method: research. Allele origin: de novo. Affected: yes. Not counted in ClinVar's aggregate classification.

Literature cited by the submitters: PubMed 30532227 (cited by University of Washington Center for Mendelian Genomics, University of Washington).